The following is an entry in ClinVar:

ClinVar aggregate classification (germline): Uncertain significance (1 of 4 stars; one submission).

Conditions:
Charcot-Marie-Tooth disease axonal type 2Q. Also called: CHARCOT-MARIE-TOOTH DISEASE, AXONAL, AUTOSOMAL DOMINANT, TYPE 2Q; CHARCOT-MARIE-TOOTH NEUROPATHY, TYPE 2Q. Identifiers: Orphanet 329258, MedGen C3554366, MONDO:0014012, OMIM 615025.

Submission:

Kariminejad - Najmabadi Pathology & Genetics Center
Classification: Uncertain significance for Charcot-Marie-Tooth disease axonal type 2Q. Last evaluated: 2024-05-13. Review status: criteria provided, single submitter. Criteria: ACMG Guidelines, 2015. Collection method: clinical testing. Allele origin: germline. Inheritance: Autosomal dominant inheritance. Affected: yes.
Comment: PM2,PP3_moderate,BP1

NM_018706.7(DHTKD1):c.1994T>C (p.Phe665Ser)

Gene: DHTKD1 (dehydrogenase E1 and transketolase domain containing 1; plus strand). Cytogenetic location: 10p14.
Variant type: single nucleotide variant.
Coding change: c.1994T>C on transcript NM_018706.7 (MANE Select); coding-DNA position 1994, T replaced by C.
Protein change: p.Phe665Ser; replaces phenylalanine 665 with serine.
Molecular consequence: missense variant.
Genome position (GRCh38, 1-based): chr10:12,106,343, T>C. VCF-style: chr10-12106343-T-C. GRCh37 (hg19) VCF-style: chr10-12148342-T-C.
Other names: short protein forms F665S.
Identifiers: ClinVar variation 3896835 (VCV003896835.1).
Genomic context (GRCh38, chr10:12,106,343, plus strand): 5'-GATTTGAATATGGGATGAGCATTGAGAGCCCAAAGTTACTGCCCCTGTGGGAGGCACAGT[T>C]TGGCGATTTCTTCAATGGTGCCCAGATCATCTTTGACACATTCATCTCTGGAGGTTGGTG-3'
Protein context (NP_061176.4, residues 655-675): PKLLPLWEAQ[Phe665Ser]GDFFNGAQII